The following is an entry in ClinVar:

NM_144585.4(SLC22A12):c.1300C>T (p.Arg434Cys)

Gene: SLC22A12 (solute carrier family 22 member 12; plus strand). Cytogenetic location: 11q13.1.
Variant type: single nucleotide variant.
Coding change: c.1300C>T on transcript NM_144585.4 (MANE Select); coding-DNA position 1300, C replaced by T.
Protein change: p.Arg434Cys; replaces arginine 434 with cysteine.
Molecular consequence: missense variant.
Genome position (GRCh38, 1-based): chr11:64,600,381, C>T. VCF-style: chr11-64600381-C-T. GRCh37 (hg19) VCF-style: chr11-64367853-C-T.
Other names: c.1198C>T, p.Arg400Cys (NM_001276326.2); c.976C>T, p.Arg326Cys (NM_001276327.2); c.637C>T, p.Arg213Cys (NM_153378.3); c.1300C>T (NM_144585.3); short protein forms R213C, R326C, R434C, R400C.
Identifiers: ClinVar variation 2065819 (VCV002065819.3), dbSNP rs145200251, ClinGen allele CA6077400.

ClinVar aggregate classification (germline): Uncertain significance. Review status: criteria provided, multiple submitters, no conflicts (2 of 4 stars). 3 submissions from 3 submitters: Uncertain significance (3). Last evaluated 2025-07-07.

Conditions:
SLC22A12-related disorder. Also called: SLC22A12-related condition.

Allele frequency attached by ClinVar (database versions not stated): ESP Exome Variant Server 0.00008; TOPMed 0.00016.
gnomAD v4.1: 239 of 1,605,230 alleles (0.015%); highest among the groups gnomAD compares: Middle Eastern, 0.15%; 1 homozygote.

Submissions (3):

PreventionGenetics, part of Exact Sciences
Classification: Uncertain significance for SLC22A12-related condition. Last evaluated: 2025-07-07. Review status: criteria provided, single submitter. Criteria: ACMG Guidelines, 2015. Collection method: clinical testing. Allele origin: germline.
Comment: The SLC22A12 c.1300C>T variant is predicted to result in the amino acid substitution p.Arg434Cys. This variant was reported in the heterozygous state in individuals with nephrolithiasis or nephrocalcinosis (Tasic et al. 2011. PubMed ID: 22194875; Halbritter et al. 2014. PubMed ID: 25296721). In Tasic et al. study, the in vitro functional assay suggested that the p.Arg434Cys change resulted in significant reduction of urate transport function in the measurement of urate uptake in HEK293 cells. This variant is reported in 0.024% of alleles in individuals of European (Non-Finnish) descent in gnomAD. At this time, the clinical significance of this variant is uncertain due to the absence of conclusive functional and genetic evidence.

Blueprint Genetics
Classification: Uncertain significance. Last evaluated: 2024-09-15. Review status: criteria provided, single submitter. Criteria: ACMG Guidelines, 2015. Collection method: clinical testing. Allele origin: germline.

Labcorp Genetics (formerly Invitae), Labcorp
Classification: Uncertain significance. Last evaluated: 2022-04-16. Review status: criteria provided, single submitter. Criteria: Invitae Variant Classification Sherloc (09022015). Collection method: clinical testing. Allele origin: germline.
Comment: This sequence change replaces arginine, which is basic and polar, with cysteine, which is neutral and slightly polar, at codon 434 of the SLC22A12 protein (p.Arg434Cys). This variant is present in population databases (rs145200251, gnomAD 0.03%). This missense change has been observed in individual(s) with hypouricemia (PMID: 22194875, 25296721). Algorithms developed to predict the effect of missense changes on protein structure and function output the following: SIFT: "Tolerated"; PolyPhen-2: "Benign"; Align-GVGD: "Class C0". The cysteine amino acid residue is found in multiple mammalian species, which suggests that this missense change does not adversely affect protein function. Experimental studies have shown that this missense change affects SLC22A12 function (PMID: 22194875). In summary, the available evidence is currently insufficient to determine the role of this variant in disease. Therefore, it has been classified as a Variant of Uncertain Significance.

Literature cited by the submitters: PubMed 22194875 (cited by Labcorp Genetics (formerly Invitae), Labcorp); PubMed 25296721 (cited by Labcorp Genetics (formerly Invitae), Labcorp).